The following is an entry in ClinVar:

ClinVar aggregate classification (germline): Conflicting classifications of pathogenicity. Review status: criteria provided, conflicting classifications (1 of 4 stars). 3 submissions from 3 submitters: Uncertain significance (2); Likely benign (1). Last evaluated 2026-01-07.

Conditions:
Candidiasis, familial, 6 (CANDF6). Also called: Candidiasis, familial, 6, autosomal dominant. Identifiers: Orphanet 1334, MedGen C3151405, MONDO:0013503, OMIM 613956.

Allele frequency attached by ClinVar (database versions not stated): gnomAD exomes 0.00003 and 0.00008; gnomAD 0.00005 and 0.00006; ExAC 0.00006; ESP Exome Variant Server 0.00008; TOPMed 0.00010.
gnomAD v4.1: 51 of 1,613,674 alleles (0.0032%); highest among the groups gnomAD compares: Admixed American, 0.037%; no homozygotes.

Submissions (3):

Labcorp Genetics (formerly Invitae), Labcorp
Classification: Uncertain significance for Candidiasis, familial, 6. Last evaluated: 2026-01-07. Review status: criteria provided, single submitter. Criteria: Invitae Variant Classification Sherloc (09022015). Collection method: clinical testing. Allele origin: germline.
Comment: This sequence change replaces alanine, which is neutral and non-polar, with valine, which is neutral and non-polar, at codon 28 of the IL17F protein (p.Ala28Val). This variant is present in population databases (rs201102127, gnomAD 0.05%). This variant has not been reported in the literature in individuals affected with IL17F-related conditions. ClinVar contains an entry for this variant (Variation ID: 969832). An algorithm developed to predict the effect of missense changes on protein structure and function outputs the following: PolyPhen-2: "Benign". The valine amino acid residue is found in multiple mammalian species, which suggests that this missense change does not adversely affect protein function. In summary, the available evidence is currently insufficient to determine the role of this variant in disease. Therefore, it has been classified as a Variant of Uncertain Significance.

Ambry Genetics
Classification: Likely benign. Last evaluated: 2022-08-30. Review status: criteria provided, single submitter. Criteria: Ambry Variant Classification Scheme 2023. Collection method: clinical testing. Allele origin: germline.

Breakthrough Genomics
Classification: Uncertain significance. Review status: criteria provided, single submitter. Criteria: ACMG Guidelines, 2015. Collection method: not provided. Allele origin: germline. Inheritance: Unknown mechanism. Affected: yes.

NM_052872.4(IL17F):c.83C>T (p.Ala28Val)

Gene: IL17F (interleukin 17F; minus strand). Cytogenetic location: 6p12.2.
Variant type: single nucleotide variant.
Coding change: c.83C>T on transcript NM_052872.4 (MANE Select); coding-DNA position 83, C replaced by T.
Protein change: p.Ala28Val; replaces alanine 28 with valine.
Molecular consequence: missense variant.
Genome position (GRCh38, 1-based): chr6:52,238,901, G>A on the plus strand (C>T on the coding strand, the complement: IL17F is on the minus strand). VCF-style: chr6-52238901-G-A. GRCh37 (hg19) VCF-style: chr6-52103699-G-A.
Other names: short protein forms A28V.
Identifiers: ClinVar variation 969832 (VCV000969832.10), dbSNP rs201102127, ClinGen allele CA3854451.